The following is an entry in ClinVar:

NM_000834.5(GRIN2B):c.694T>C (p.Cys232Arg)

Gene: GRIN2B (glutamate ionotropic receptor NMDA type subunit 2B; minus strand). Cytogenetic location: 12p13.1.
Variant type: single nucleotide variant.
Coding change: c.694T>C on transcript NM_000834.5 (MANE Select); coding-DNA position 694, T replaced by C.
Protein change: p.Cys232Arg; replaces cysteine 232 with arginine.
Molecular consequence: missense variant.
Genome position (GRCh38, 1-based): chr12:13,753,633, A>G on the plus strand (T>C on the coding strand, the complement: GRIN2B is on the minus strand). VCF-style: chr12-13753633-A-G. GRCh37 (hg19) VCF-style: chr12-13906567-A-G.
Other names: c.694T>C, p.Cys232Arg (NM_001413992.1, NM_001413993.1, NM_001413994.1 and 1 more transcripts); short protein forms C232R.
Identifiers: ClinVar variation 3061857 (VCV003061857.1), dbSNP rs2497777758, ClinGen allele CA384053837.

ClinVar aggregate classification (germline): Uncertain significance (1 of 4 stars; one submission).

Conditions:
Intellectual developmental disorder, autosomal dominant 6, with or without seizures. Also called: GRIN2B-related developmental delay, intellectual disability and autism spectrum disorder; Intellectual disability, autosomal dominant 6. Identifiers: Orphanet 589547, MedGen C3151411, MONDO:0013509, OMIM 613970.
Developmental and epileptic encephalopathy, 27 (DEE27). Also called: Epileptic encephalopathy, early infantile, 27; GRIN2B-Related Neurodevelopmental Disorder. Identifiers: Orphanet 3451, MedGen C4015316, MONDO:0014505, OMIM 616139.

Submission:

MVZ Medizinische Genetik Mainz
Classification: Uncertain significance for Developmental and epileptic encephalopathy, 27; Intellectual developmental disorder, autosomal dominant 6, with or without seizures. Last evaluated: 2023-05-05. Review status: criteria provided, single submitter. Criteria: UK Practice Guidelines For Variant Classification V4 01 2020. Collection method: clinical testing. Allele origin: germline. Inheritance: Autosomal dominant inheritance. Affected: yes. Observed: 1 variant allele.
Comment: PP3_MOD,PM2_SUP,PP2